The following is an entry in ClinVar:

ClinVar aggregate classification (germline): Uncertain significance (1 of 4 stars; one submission).

Submission:

Labcorp Genetics (formerly Invitae), Labcorp
Classification: Uncertain significance. Last evaluated: 2022-07-06. Review status: criteria provided, single submitter. Criteria: Invitae Variant Classification Sherloc (09022015). Collection method: clinical testing. Allele origin: germline.
Comment: This sequence change replaces alanine, which is neutral and non-polar, with serine, which is neutral and polar, at codon 628 of the MTTP protein (p.Ala628Ser). This variant is not present in population databases (gnomAD no frequency). Algorithms developed to predict the effect of missense changes on protein structure and function (SIFT, PolyPhen-2, Align-GVGD) all suggest that this variant is likely to be tolerated. This variant has not been reported in the literature in individuals affected with MTTP-related conditions. ClinVar contains an entry for this variant (Variation ID: 1523860). In summary, the available evidence is currently insufficient to determine the role of this variant in disease. Therefore, it has been classified as a Variant of Uncertain Significance.

NM_001386140.1(MTTP):c.1882G>T (p.Ala628Ser)

Gene: MTTP (microsomal triglyceride transfer protein; plus strand). Cytogenetic location: 4q23.
Variant type: single nucleotide variant.
Coding change: c.1882G>T on transcript NM_001386140.1 (MANE Select); coding-DNA position 1882, G replaced by T.
Protein change: p.Ala628Ser; replaces alanine 628 with serine.
Molecular consequence: missense variant.
Genome position (GRCh38, 1-based): chr4:99,611,346, G>T. VCF-style: chr4-99611346-G-T. GRCh37 (hg19) VCF-style: chr4-100532503-G-T.
Other names: c.1882G>T, p.Ala628Ser (NM_000253.4); c.1633G>T, p.Ala545Ser (NM_001300785.2); short protein forms A545S, A628S.
Identifiers: ClinVar variation 1523860 (VCV001523860.8), dbSNP rs2110231910, ClinGen allele CA357515766.